The following is an entry in ClinVar:

NM_001384900.1(SEMA3D):c.950G>A (p.Gly317Glu)

Gene: SEMA3D (semaphorin 3D; minus strand). Cytogenetic location: 7q21.11.
Variant type: single nucleotide variant.
Coding change: c.950G>A on transcript NM_001384900.1 (MANE Select); coding-DNA position 950, G replaced by A.
Protein change: p.Gly317Glu; replaces glycine 317 with glutamic acid.
Molecular consequence: missense variant.
Genome position (GRCh38, 1-based): chr7:85,042,197, C>T on the plus strand (G>A on the coding strand, the complement: SEMA3D is on the minus strand). VCF-style: chr7-85042197-C-T. GRCh37 (hg19) VCF-style: chr7-84671513-C-T.
Other names: c.950G>A, p.Gly317Glu (NM_001384901.1, NM_001384902.1, NM_001384903.1 and 1 more transcripts); short protein forms G317E.
Identifiers: ClinVar variation 4989192 (VCV004989192.1).
Genomic context (GRCh38, chr7:85,042,197, plus strand): 5'-GCCTTTCCAAGAAAGAAGGAAAGAAGGAACTTACGAAGCTCATCAAAGTAAGTATCTGCC[C>T]CATCACTTCCAGGAATTGAGCAAATCAGTCTGGCCTTAAGAAAAGTCGTCCACTTGTTTA-3'
Protein context (NP_001371829.1, residues 307-327): RLICSIPGSD[Gly317Glu]ADTYFDELQD

ClinVar aggregate classification (germline): Uncertain significance (1 of 4 stars; one submission).

Conditions:
SEMA3D-related disorder. Also called: SEMA3D-related condition.

gnomAD v4.1: 11 of 1,612,772 alleles (0.00068%); highest among the groups gnomAD compares: African/African-American, 0.013%; no homozygotes.

Submission:

PreventionGenetics, part of Exact Sciences
Classification: Uncertain significance for SEMA3D-related condition. Last evaluated: 2026-06-18. Review status: criteria provided, single submitter. Criteria: ACMG Guidelines, 2015. Collection method: clinical testing. Allele origin: germline.
Comment: The SEMA3D c.950G>A variant is predicted to result in the amino acid substitution p.Gly317Glu. To our knowledge, this variant has not been reported in the literature. This variant is reported in 0.011% of alleles in individuals of African descent in gnomAD. At this time, the clinical significance of this variant is uncertain due to the absence of conclusive functional and genetic evidence.